The following is an entry in ClinVar:

NM_017654.4(SAMD9):c.1117A>G (p.Arg373Gly)

Gene: SAMD9 (sterile alpha motif domain containing 9; minus strand). Cytogenetic location: 7q21.2.
Variant type: single nucleotide variant.
Coding change: c.1117A>G on transcript NM_017654.4 (MANE Select); coding-DNA position 1117, A replaced by G.
Protein change: p.Arg373Gly; replaces arginine 373 with glycine.
Molecular consequence: missense variant.
Genome position (GRCh38, 1-based): chr7:93,104,981, T>C on the plus strand (A>G on the coding strand, the complement: SAMD9 is on the minus strand). VCF-style: chr7-93104981-T-C. GRCh37 (hg19) VCF-style: chr7-92734294-T-C.
Other names: c.1117A>G, p.Arg373Gly (NM_001193307.2); short protein forms R373G.
Identifiers: ClinVar variation 5028757 (VCV005028757.1).
Genomic context (GRCh38, chr7:93,104,981, plus strand): 5'-TTGGTCCCTCTCTTTCTTTTTTATTTGTTTTTGCTCTGAATTTTTCTTCTGCTGCTTTTC[T>C]GGACTCTGCCAGTGTTTTAAAATCTGCTTTAAATGCTCTGAAATCAACTTTATTTTTCGT-3'
Protein context (NP_060124.2, residues 363-383): KADFKTLAES[Arg373Gly]KAAEEKFRAK

ClinVar aggregate classification (germline): Uncertain significance (1 of 4 stars; one submission).

Conditions:
Inborn genetic diseases. Identifiers: MedGen C0950123, MeSH D030342.

Submission:

Ambry Genetics
Classification: Uncertain significance for Inborn genetic diseases. Last evaluated: 2026-07-11. Review status: criteria provided, single submitter. Criteria: Ambry Variant Classification Scheme 2023. Collection method: clinical testing. Allele origin: germline.
Comment: The p.R373G variant (also known as c.1117A>G), located in coding exon 1 of the SAMD9 gene, results from an A to G substitution at nucleotide position 1117. The arginine at codon 373 is replaced by glycine, an amino acid with dissimilar properties. This amino acid position is conserved. In addition, this alteration is predicted to be tolerated by in silico analysis. Based on the available evidence, the clinical significance of this variant remains unclear.